The following is an entry in ClinVar:

NM_007294.4(BRCA1):c.5242G>C (p.Gly1748Arg)

Gene: BRCA1 (BRCA1 DNA repair associated; minus strand). Cytogenetic location: 17q21.31.
Variant type: single nucleotide variant.
Coding change: c.5242G>C on transcript NM_007294.4 (MANE Select); coding-DNA position 5242, G replaced by C.
Protein change: p.Gly1748Arg; replaces glycine 1748 with arginine.
Molecular consequence: missense variant. On other transcripts: non-coding transcript variant (1).
Genome position (GRCh38, 1-based): chr17:43,057,087, C>G on the plus strand (G>C on the coding strand, the complement: BRCA1 is on the minus strand). VCF-style: chr17-43057087-C-G. GRCh37 (hg19) VCF-style: chr17-41209104-C-G.
Other names: c.1999G>C, p.Gly667Arg (NM_001407971.1, NM_001407970.1); c.1996G>C, p.Gly666Arg (NM_001407972.1); c.1933G>C, p.Gly645Arg (NM_001407973.1, NM_001407974.1, NM_001407975.1 and 3 more transcripts); c.1930G>C, p.Gly644Arg (NM_001407979.1, NM_001407993.1, NM_007298.4 and 13 more transcripts); c.1927G>C, p.Gly643Arg (NM_001408392.1, NM_001408396.1, NM_001408397.1 and 8 more transcripts); c.1852G>C, p.Gly618Arg (NM_001408414.1, NM_001408415.1, NM_001408416.1 and 2 more transcripts); c.1816G>C, p.Gly606Arg (NM_001408418.1, NM_001408419.1, NM_001408420.1); c.1813G>C, p.Gly605Arg (NM_001408421.1, NM_001408422.1, NM_001408423.1 and 1 more transcripts); and 72 more; short protein forms G1748R, G1769R, G1701R, G644R, G1619R, G1637R, G1677R, G1679R.
Identifiers: ClinVar variation 240819 (VCV000240819.17), dbSNP rs397507245, ClinGen allele CA10583548.

ClinVar aggregate classification (germline): Likely pathogenic. Review status: criteria provided, multiple submitters, no conflicts (2 of 4 stars). 3 submissions from 3 submitters: Likely pathogenic (3). Last evaluated 2024-04-30.

Conditions:
Hereditary cancer-predisposing syndrome. Also called: Hereditary Cancer Syndrome; Neoplastic Syndromes, Hereditary; Hereditary neoplastic syndrome; Tumor predisposition. Identifiers: Orphanet 140162, MedGen C0027672, MeSH D009386, MONDO:0015356.
Hereditary breast ovarian cancer syndrome. Also called: Hereditary breast and ovarian cancer syndrome (HBOC); Breast and ovarian cancer; Hereditary breast and ovarian cancer syndrome; Hereditary breast and ovarian cancer; BRCA1- and BRCA2-Associated Hereditary Breast and Ovarian Cancer; Hereditary breast and/or ovarian cancer syndrome. Identifiers: Orphanet 145, MedGen C0677776, MeSH D061325, MONDO:0003582. Disease mechanism: loss of function.
Breast-ovarian cancer, familial, susceptibility to, 1 (BROVCA1). Also called: BRCA1 Hereditary Breast and Ovarian Cancer; OVARIAN CANCER, SUSCEPTIBILITY TO. Identifiers: Orphanet 145, MedGen C2676676, MONDO:0011450, OMIM 604370. Disease mechanism: loss of function.

Submissions (4):

Labcorp Genetics (formerly Invitae), Labcorp
Classification: Likely pathogenic for Hereditary breast ovarian cancer syndrome. Last evaluated: 2024-04-30. Review status: criteria provided, single submitter. Criteria: Invitae Variant Classification Sherloc (09022015). Collection method: clinical testing. Allele origin: germline.
Comment: This sequence change replaces glycine, which is neutral and non-polar, with arginine, which is basic and polar, at codon 1748 of the BRCA1 protein (p.Gly1748Arg). This variant is not present in population databases (gnomAD no frequency). This missense change has been observed in individual(s) with a personal and/or family history of breast and/or ovarian cancer (PMID: 29161300). ClinVar contains an entry for this variant (Variation ID: 240819). Advanced modeling performed at Invitae incorporating data from internal and/or published experimental studies (PMID: 30209399) indicates that this missense variant is expected to disrupt BRCA1 function with a positive predictive value of 95%. Experimental studies have shown that this missense change affects BRCA1 function (PMID: 30209399, 30765603). This variant disrupts the p.Gly1748 amino acid residue in BRCA1. Other variant(s) that disrupt this residue have been determined to be pathogenic (PMID: 16644204, 24845084, 28781887, 30209399, 31131967). This suggests that this residue is clinically significant, and that variants that disrupt this residue are likely to be disease-causing. In summary, the currently available evidence indicates that the variant is pathogenic, but additional data are needed to prove that conclusively. Therefore, this variant has been classified as Likely Pathogenic.

Ambry Genetics
Classification: Likely pathogenic for Hereditary cancer-predisposing syndrome. Last evaluated: 2021-10-28. Review status: criteria provided, single submitter. Criteria: Ambry Variant Classification Scheme 2023. Collection method: clinical testing. Allele origin: germline.
Comment: The p.G1748R variant (also known as c.5242G>C), located in coding exon 18 of the BRCA1 gene, results from a G to C substitution at nucleotide position 5242. The glycine at codon 1748 is replaced by arginine, an amino acid with dissimilar properties. One functional study found that this nucleotide substitution is non-functional in a high-throughput, genome editing, haploid cell survival assay (Findlay GM et al. Nature, 2018 10;562:217-222). A transcription activation assay found that this variant had <80% activity relative to wildtype and was, thus, considered deleterious (Fernandes VC et al. J Biol Chem, 2019 04;294:5980-5992). This alteration has been detected in a cohort of 418 Brazilian hereditary breast and ovarian cancer probands (Alemar B et al. PLoS ONE, 2017 Nov;12:e0187630). This variant is considered to be rare based on population cohorts in the Genome Aggregation Database (gnomAD). This amino acid position is highly conserved in available vertebrate species. In addition, this alteration is predicted to be deleterious by in silico analysis. Based on the majority of available evidence to date, this variant is likely to be pathogenic.

Mendelics
Classification: Likely pathogenic for Breast-ovarian cancer, familial, susceptibility to, 1. Last evaluated: 2019-05-28. Review status: criteria provided, single submitter. Criteria: Mendelics Assertion Criteria 2017. Collection method: clinical testing. Allele origin: unknown.

Brotman Baty Institute, University of Washington
No classification provided (evidence only). Condition: Breast-ovarian cancer, familial 1. Review status: no classification provided. Collection method: in vitro. Allele origin: not applicable. Functional consequence: functionally_abnormal. Not counted in ClinVar's aggregate classification.
ClinVar note: "not provided" was previously submitted as the classification for the variant. However, the classification appeared to be based only on an observation of functional data so it was converted to no classification on 2025-07-30.

Literature cited by the submitters: PubMed 29161300 (cited by Labcorp Genetics (formerly Invitae), Labcorp and Ambry Genetics); PubMed 30209399 (cited by Labcorp Genetics (formerly Invitae), Labcorp and Ambry Genetics); PubMed 30765603 (cited by Labcorp Genetics (formerly Invitae), Labcorp and Ambry Genetics); PubMed 16644204 (cited by Labcorp Genetics (formerly Invitae), Labcorp); PubMed 24845084 (cited by Labcorp Genetics (formerly Invitae), Labcorp); PubMed 28781887 (cited by Labcorp Genetics (formerly Invitae), Labcorp); PubMed 31131967 (cited by Labcorp Genetics (formerly Invitae), Labcorp).